The following is an entry in ClinVar:

NM_001199107.2(TBC1D24):c.327C>T (p.Arg109=)

Gene: TBC1D24 (TBC1 domain family member 24; plus strand). Cytogenetic location: 16p13.3.
Variant type: single nucleotide variant.
Coding change: c.327C>T on transcript NM_001199107.2 (MANE Select); coding-DNA position 327, C replaced by T.
Protein change: p.Arg109=; no amino-acid change (arginine 109 retained).
Molecular consequence: synonymous variant.
Genome position (GRCh38, 1-based): chr16:2,496,475, C>T. VCF-style: chr16-2496475-C-T. GRCh37 (hg19) VCF-style: chr16-2546476-C-T.
Other names: c.327C>T, p.Arg109= (NM_020705.3).
Identifiers: ClinVar variation 227982 (VCV000227982.37), dbSNP rs754551693, ClinGen allele CA7843976.

ClinVar aggregate classification (germline): Likely benign. Review status: criteria provided, multiple submitters, no conflicts (2 of 4 stars). 3 submissions from 3 submitters: Likely benign (3). Last evaluated 2025-04-17.

Conditions:
Autosomal dominant nonsyndromic hearing loss 65. Also called: Deafness, autosomal dominant 65; TBC1D24-Related Autosomal Dominant Nonsyndromic Hearing Loss (DFNA). Identifiers: Orphanet 90635, MedGen C3892048, MONDO:0014470, OMIM 616044.
Developmental and epileptic encephalopathy, 1 (DEE1). Also called: Tonic spasms with clustering, arrest of psychomotor development and hypsarrhythmia on EEG; X-Linked Infantile Spasm Syndrome; OHTAHARA SYNDROME, X-LINKED; X-linked infantile spasms; West's syndrome; Epileptic encephalopathy, early infantile, 1. Identifiers: MedGen C3463992, MONDO:0010632, OMIM 308350. Disease mechanism: loss of function.

gnomAD v4.1: 11 of 1,611,002 alleles (0.00068%); highest among the groups gnomAD compares: Middle Eastern, 0.016%; no homozygotes.

Submissions (3):

Labcorp Genetics (formerly Invitae), Labcorp
Classification: Likely benign for Developmental and epileptic encephalopathy, 1; Autosomal dominant nonsyndromic hearing loss 65. Last evaluated: 2025-04-17. Review status: criteria provided, single submitter. Criteria: Invitae Variant Classification Sherloc (09022015). Collection method: clinical testing. Allele origin: germline.

CeGaT Center for Human Genetics Tuebingen
Classification: Likely benign. Last evaluated: 2023-08-01. Review status: criteria provided, single submitter. Criteria: CeGaT Center For Human Genetics Tuebingen Variant Classification Criteria Version 2. Collection method: clinical testing. Allele origin: germline. Affected: yes. Observed: 1 variant allele.
Comment: TBC1D24: BP4, BP7

Laboratory for Molecular Medicine, Mass General Brigham Personalized Medicine
Classification: Likely benign. Last evaluated: 2016-04-05. Review status: criteria provided, single submitter. Criteria: LMM Criteria. Collection method: clinical testing. Allele origin: germline. Observed: 1 variant allele.
Comment: p.Arg109Arg in exon 2 of TBC1D24: This variant is not expected to have clinical significance because it does not alter an amino acid residue and is not located within the splice consensus sequence. It has been identified in 1/16456 South As ian chromosomes by the Exome Aggregation Consortium (ExAC; dbSNP rs754551693).